The following is an entry in ClinVar:

ClinVar aggregate classification (germline): Uncertain significance (1 of 4 stars; one submission).

Conditions:
Encephalopathy, acute, infection-induced (herpes-specific), susceptibility to, 1. Also called: Herpes simplex encephalitis, susceptibility to, 1. Identifiers: Orphanet 1930, MedGen C2750180, MONDO:0024563, OMIM 610551.

Allele frequency attached by ClinVar (database versions not stated): gnomAD 0.00004; ESP Exome Variant Server 0.00008; ExAC 0.00001.
gnomAD v4.1: 59 of 1,614,082 alleles (0.0037%); highest among the groups gnomAD compares: Non-Finnish European, 0.0049%; no homozygotes.

Submission:

Labcorp Genetics (formerly Invitae), Labcorp
Classification: Uncertain significance for Encephalopathy, acute, infection-induced (herpes-specific), susceptibility to, 1. Last evaluated: 2026-02-01. Review status: criteria provided, single submitter. Criteria: Invitae Variant Classification Sherloc (09022015). Collection method: clinical testing. Allele origin: germline.
Comment: This sequence change replaces aspartic acid, which is acidic and polar, with valine, which is neutral and non-polar, at codon 524 of the TLR3 protein (p.Asp524Val). This variant is present in population databases (rs373400665, gnomAD 0.002%). This variant has not been reported in the literature in individuals affected with TLR3-related conditions. ClinVar contains an entry for this variant (Variation ID: 1390839). An algorithm developed to predict the effect of missense changes on protein structure and function (PolyPhen-2) suggests that this variant is likely to be disruptive. In summary, the available evidence is currently insufficient to determine the role of this variant in disease. Therefore, it has been classified as a Variant of Uncertain Significance.

NM_003265.3(TLR3):c.1571A>T (p.Asp524Val)

Gene: TLR3 (toll like receptor 3; plus strand). Cytogenetic location: 4q35.1.
Variant type: single nucleotide variant.
Coding change: c.1571A>T on transcript NM_003265.3 (MANE Select); coding-DNA position 1571, A replaced by T.
Protein change: p.Asp524Val; replaces aspartic acid 524 with valine.
Molecular consequence: missense variant.
Genome position (GRCh38, 1-based): chr4:186,083,257, A>T. VCF-style: chr4-186083257-A-T. GRCh37 (hg19) VCF-style: chr4-187004411-A-T.
Other names: short protein forms D524V.
Identifiers: ClinVar variation 1390839 (VCV001390839.6), dbSNP rs373400665, ClinGen allele CA3161436.
Genomic context (GRCh38, chr4:186,083,257, plus strand): 5'-CTCTTCGTAACTTGACCATTCTGGATCTAAGCAACAACAACATAGCCAACATAAATGATG[A>T]CATGTTGGAGGGTCTTGAGAAACTAGAAATTCTCGATTTGCAGCATAACAACTTAGCACG-3'
Protein context (NP_003256.1, residues 514-534): SNNNIANIND[Asp524Val]MLEGLEKLEI